The following is an entry in ClinVar:

NM_001048174.2(MUTYH):c.290G>T (p.Arg97Met)

Gene: MUTYH (mutY DNA glycosylase; minus strand). Cytogenetic location: 1p34.1.
Variant type: single nucleotide variant.
Coding change: c.290G>T on transcript NM_001048174.2 (MANE Select); coding-DNA position 290, G replaced by T.
Protein change: p.Arg97Met; replaces arginine 97 with methionine.
Molecular consequence: missense variant. On other transcripts: non-coding transcript variant (7).
Genome position (GRCh38, 1-based): chr1:45,333,299, C>A on the plus strand (G>T on the coding strand, the complement: MUTYH is on the minus strand). VCF-style: chr1-45333299-C-A. GRCh37 (hg19) VCF-style: chr1-45798971-C-A.
Other names: c.290G>T, p.Arg97Met (NM_001048171.2, NM_001407070.1, NM_001407072.1 and 6 more transcripts); c.293G>T, p.Arg98Met (NM_001048172.2, NM_001407071.1, NM_001407078.1 and 2 more transcripts); c.19G>T, p.Gly7Cys (NM_001350651.2, NM_001407082.1, NM_001350650.2); c.365G>T, p.Arg122Met (NM_001407069.1, NM_012222.3); c.332G>T, p.Arg111Met (NM_001407073.1, NM_001407083.1, NM_001407085.1); c.206G>T, p.Arg69Met (NM_001407075.1); c.323G>T, p.Arg108Met (NM_001407077.1, NM_001293191.2); c.311G>T, p.Arg104Met (NM_001407087.1); and 3 more; short protein forms R97M, G7C, R69M, R104M, R112M, R98M, R108M, R111M.
Identifiers: ClinVar variation 4112817 (VCV004112817.1).

ClinVar aggregate classification (germline): Uncertain significance (1 of 4 stars; one submission).

Conditions:
Hereditary cancer-predisposing syndrome. Also called: Tumor predisposition; Neoplastic Syndromes, Hereditary; Hereditary neoplastic syndrome; Hereditary Cancer Syndrome. Identifiers: Orphanet 140162, MedGen C0027672, MeSH D009386, MONDO:0015356.

Submission:

Ambry Genetics
Classification: Uncertain significance for Hereditary cancer-predisposing syndrome. Last evaluated: 2025-08-27. Review status: criteria provided, single submitter. Criteria: Ambry Variant Classification Scheme 2023. Collection method: clinical testing. Allele origin: germline.
Comment: The p.R125M variant (also known as c.374G>T), located in coding exon 4 of the MUTYH gene, results from a G to T substitution at nucleotide position 374. The arginine at codon 125 is replaced by methionine, an amino acid with similar properties. This amino acid position is conserved. In addition, the in silico prediction for this alteration is inconclusive. Based on the available evidence, the clinical significance of this variant remains unclear.